The following is an entry in ClinVar:

ClinVar aggregate classification (germline): Likely benign (1 of 4 stars; one submission).

Conditions:
Catecholaminergic polymorphic ventricular tachycardia (CVPT). Also called: Catecholamine-induced polymorphic ventricular tachycardia. Identifiers: Orphanet 3286, MedGen C5574922, MONDO:0017990.

gnomAD v4.1: 1 of 1,613,628 alleles (0.000062%); no homozygotes.

Submission:

All of Us Research Program, National Institutes of Health
Classification: Likely benign for Catecholaminergic polymorphic ventricular tachycardia. Last evaluated: 2024-05-30. Review status: criteria provided, single submitter. Criteria: ACMG Guidelines, 2015. Collection method: clinical testing. Allele origin: germline. Inheritance: Autosomal dominant inheritance. Observed: 1 variant allele, 1 heterozygote.
Comment: This study involves interpretation of variants in research participants for the purpose of population health screening. Participant phenotype was not available at the time of variant classification. Additional details can be found in publication PMID: 35346344, PMCID: PMC8962531

NM_001035.3(RYR2):c.4503C>T (p.Asn1501=)

Gene: RYR2 (ryanodine receptor 2; plus strand). Cytogenetic location: 1q43.
Variant type: single nucleotide variant.
Coding change: c.4503C>T on transcript NM_001035.3 (MANE Select); coding-DNA position 4503, C replaced by T.
Protein change: p.Asn1501=; no amino-acid change (asparagine 1501 retained).
Molecular consequence: synonymous variant.
Genome position (GRCh38, 1-based): chr1:237,595,564, C>T. VCF-style: chr1-237595564-C-T. GRCh37 (hg19) VCF-style: chr1-237758864-C-T.
Identifiers: ClinVar variation 3385725 (VCV003385725.1).